The following is an entry in ClinVar:

NM_152617.4(RNF168):c.73_74delinsAG (p.Glu25Arg)

Gene: RNF168 (ring finger protein 168; minus strand). Cytogenetic location: 3q29.
Variant type: Indel.
Coding change: c.73_74delinsAG on transcript NM_152617.4 (MANE Select); coding-DNA positions 73 to 74, GA replaced by AG.
Protein change: p.Glu25Arg; replaces glutamic acid 25 with arginine.
Molecular consequence: missense variant.
Genome position (GRCh38, 1-based): chr3:196,503,100-196,503,101, TC replaced by CT on the plus strand (GA replaced by AG on the coding strand, the reverse complement: RNF168 is on the minus strand). VCF-style: chr3-196503100-TC-CT. GRCh37 (hg19) VCF-style: chr3-196229971-TC-CT.
Other names: short protein forms E25R.
Identifiers: ClinVar variation 1435556 (VCV001435556.5), dbSNP rs2108657497, ClinGen allele CA2573136883.

ClinVar aggregate classification (germline): Uncertain significance (1 of 4 stars; one submission).

Submission:

Labcorp Genetics (formerly Invitae), Labcorp
Classification: Uncertain significance. Last evaluated: 2022-03-19. Review status: criteria provided, single submitter. Criteria: Invitae Variant Classification Sherloc (09022015). Collection method: clinical testing. Allele origin: germline.
Comment: This sequence change replaces glutamic acid, which is acidic and polar, with arginine, which is basic and polar, at codon 25 of the RNF168 protein (p.Glu25Arg). This variant is present in population databases (no rsID available, gnomAD 0.4%). This variant has not been reported in the literature in individuals affected with RNF168-related conditions. Algorithms developed to predict the effect of missense changes on protein structure and function are either unavailable or do not agree on the potential impact of this missense change (SIFT: "Not Available"; PolyPhen-2: "Probably Damaging"; Align-GVGD: "Not Available"). In summary, the available evidence is currently insufficient to determine the role of this variant in disease. Therefore, it has been classified as a Variant of Uncertain Significance.